The following is an entry in ClinVar:

ClinVar aggregate classification (germline): Likely benign. Review status: criteria provided, multiple submitters, no conflicts (2 of 4 stars). 6 submissions from 6 submitters: Likely benign (3). 3 of the submissions do not count toward it. Last evaluated 2026-01-12.

Conditions:
GRN-related frontotemporal lobar degeneration with Tdp43 inclusions (FTD2). Also called: GRN Frontotemporal Dementia; FRONTOTEMPORAL LOBAR DEGENERATION WITH UBIQUITIN-POSITIVE INCLUSIONS; FTLD-TDP, GRN-RELATED; FRONTOTEMPORAL DEMENTIA WITH TDP43 INCLUSIONS, GRN-RELATED; DEMENTIA, HEREDITARY DYSPHASIC DISINHIBITION. Identifiers: Orphanet 100070, Orphanet 282, MedGen C1843792, MONDO:0011842, OMIM 607485. Disease mechanism: loss of function.
Neuronal ceroid lipofuscinosis 11. Also called: GRN-Related Neuronal Ceroid-Lipofuscinosis. Identifiers: Orphanet 314629, Orphanet 79262, MedGen C3539123, MONDO:0013866, OMIM 614706.

Allele frequency attached by ClinVar (database versions not stated): ExAC 0.00007; gnomAD exomes 0.00008 and 0.00015; TOPMed 0.00009; gnomAD 0.00013 and 0.00014.
gnomAD v4.1: 229 of 1,611,856 alleles (0.014%); highest among the groups gnomAD compares: Non-Finnish European, 0.018%; no homozygotes.

Submissions (6):

Labcorp Genetics (formerly Invitae), Labcorp
Classification: Likely benign for Neuronal ceroid lipofuscinosis 11; GRN-related frontotemporal lobar degeneration with Tdp43 inclusions. Last evaluated: 2026-01-12. Review status: criteria provided, single submitter. Criteria: Invitae Variant Classification Sherloc (09022015). Collection method: clinical testing. Allele origin: germline.

CeGaT Center for Human Genetics Tuebingen
Classification: Likely benign. Last evaluated: 2025-03-01. Review status: criteria provided, single submitter. Criteria: CeGaT Center For Human Genetics Tuebingen Variant Classification Criteria Version 2. Collection method: clinical testing. Allele origin: germline. Affected: yes. Observed: 1 variant allele.
Comment: GRN: BP4, BP7

Blueprint Genetics
Classification: Likely benign. Last evaluated: 2024-10-21. Review status: criteria provided, single submitter. Criteria: ACMG Guidelines, 2015. Collection method: clinical testing. Allele origin: germline.

Clinical Genetics DNA and cytogenetics Diagnostics Lab, Erasmus MC, Erasmus Medical Center
Classification: Likely benign. Review status: no assertion criteria provided. Collection method: clinical testing. Allele origin: germline. Affected: yes. Study: VKGL Data-share Consensus. Not counted in ClinVar's aggregate classification.

Genome Diagnostics Laboratory, Amsterdam University Medical Center
Classification: Likely benign. Review status: no assertion criteria provided. Collection method: clinical testing. Allele origin: germline. Affected: yes. Study: VKGL Data-share Consensus. Not counted in ClinVar's aggregate classification.

VIB  Department of Molecular Genetics, University of Antwerp
No classification provided. Review status: no classification provided. Collection method: not provided. Allele origin: unknown. Not counted in ClinVar's aggregate classification.

NM_002087.4(GRN):c.279G>A (p.Gly93=)

Gene: GRN (granulin precursor; plus strand). Cytogenetic location: 17q21.31.
Variant type: single nucleotide variant.
Coding change: c.279G>A on transcript NM_002087.4 (MANE Select); coding-DNA position 279, G replaced by A.
Protein change: p.Gly93=; no amino-acid change (glycine 93 retained).
Molecular consequence: synonymous variant.
Genome position (GRCh38, 1-based): chr17:44,349,681, G>A. VCF-style: chr17-44349681-G-A. GRCh37 (hg19) VCF-style: chr17-42427049-G-A.
Identifiers: ClinVar variation 98131 (VCV000098131.21), dbSNP rs63751088, ClinGen allele CA225222.
Genomic context (GRCh38, chr17:44,349,681, plus strand): 5'-GCAGATAAAAGGGCCCTGCCAATGCAGGTTTCTCTGTGTTCCACAGGCCGTGGCATGCGG[G>A]GATGGCCATCACTGCTGCCCACGGGGCTTCCACTGCAGTGCAGACGGGCGATCCTGCTTC-3'
Protein context (NP_002078.1, residues 83-103): CCPFPEAVAC[Gly93=]DGHHCCPRGF